The following is an entry in ClinVar:

ClinVar aggregate classification (germline): Benign/Likely benign. Review status: criteria provided, multiple submitters, no conflicts (2 of 4 stars). 5 submissions from 5 submitters: Benign (1); Likely benign (4). Last evaluated 2026-01-22.

Conditions:
Collagen 6-related myopathy. Identifiers: MedGen CN117976, MONDO:0100225.
Bethlem myopathy 1A. Also called: Bethlem myopathy 1; Bethlem Muscular Dystrophy; MYOPATHY, BENIGN CONGENITAL, WITH CONTRACTURES. Identifiers: Orphanet 610, MedGen CN029274, MONDO:0024530, OMIM 158810.

Allele frequency attached by ClinVar (database versions not stated): gnomAD 0.00017 and 0.00006; gnomAD exomes 0.00059 and 0.00028; ExAC 0.00066; 1000 Genomes Project 30x 0.00094; 1000 Genomes Project 0.00120; TOPMed 0.00013; ESP Exome Variant Server 0.00015.
gnomAD v4.1: 459 of 1,614,092 alleles (0.028%); highest among the groups gnomAD compares: South Asian, 0.27%; 4 homozygotes.

Submissions (5):

Labcorp Genetics (formerly Invitae), Labcorp
Classification: Likely benign for Bethlem myopathy 1A. Last evaluated: 2026-01-22. Review status: criteria provided, single submitter. Criteria: Invitae Variant Classification Sherloc (09022015). Collection method: clinical testing. Allele origin: germline.

CeGaT Center for Human Genetics Tuebingen
Classification: Likely benign. Last evaluated: 2024-05-01. Review status: criteria provided, single submitter. Criteria: CeGaT Center For Human Genetics Tuebingen Variant Classification Criteria Version 2. Collection method: clinical testing. Allele origin: germline. Affected: yes. Observed: 1 variant allele.
Comment: COL6A1: BS2

Illumina Laboratory Services, Illumina
Classification: Benign for Collagen VI-related myopathy. Last evaluated: 2018-01-12. Review status: criteria provided, single submitter. Criteria: ICSL Variant Classification Criteria 13 December 2019. Collection method: clinical testing. Allele origin: germline.
Comment: This variant was observed in the ICSL laboratory as part of a predisposition screen in an ostensibly healthy population. It had not been previously curated by ICSL or reported in the Human Gene Mutation Database (HGMD: prior to June 1st, 2018), and was therefore a candidate for classification through an automated scoring system. Utilizing variant allele frequency, disease prevalence and penetrance estimates, and inheritance mode, an automated score was calculated to assess if this variant is too frequent to cause the disease. Based on the score and internal cut-off values, a variant classified as benign is not then subjected to further curation. The score for this variant resulted in a classification of benign for this disease.

Eurofins Ntd Llc (ga)
Classification: Likely benign. Last evaluated: 2016-09-22. Review status: criteria provided, single submitter. Criteria: EGL Classification Definitions 2015. Collection method: clinical testing. Allele origin: germline. Observed: 6 variant alleles, 6 heterozygotes.

GeneDx
Classification: Likely benign. Last evaluated: 2016-07-26. Review status: criteria provided, single submitter. Criteria: GeneDx Variant Classification (06012015). Collection method: clinical testing. Allele origin: germline. Affected: yes.
Comment: This variant is considered likely benign or benign based on one or more of the following criteria: it is a conservative change, it occurs at a poorly conserved position in the protein, it is predicted to be benign by multiple in silico algorithms, and/or has population frequency not consistent with disease.

NM_001848.3(COL6A1):c.2348G>A (p.Arg783Gln)

Gene: COL6A1 (collagen type VI alpha 1 chain; plus strand). Cytogenetic location: 21q22.3.
Variant type: single nucleotide variant.
Coding change: c.2348G>A on transcript NM_001848.3 (MANE Select); coding-DNA position 2348, G replaced by A.
Protein change: p.Arg783Gln; replaces arginine 783 with glutamine.
Molecular consequence: missense variant.
Genome position (GRCh38, 1-based): chr21:46,002,624, G>A. VCF-style: chr21-46002624-G-A. GRCh37 (hg19) VCF-style: chr21-47422538-G-A.
Identifiers: ClinVar variation 93852 (VCV000093852.72), dbSNP rs200261890, ClinGen allele CA221773.
Genomic context (GRCh38, chr21:46,002,624, plus strand): 5'-TCCCAGGCTCAGACCAGCTCAATGTCATTTCTTGCCAAGGCCTGGCACCATCCCAGGGCC[G>A]GCCCGGCCTCTCGCTGGTCAAGGAGAACTATGCAGAGCTGCTGGAGGATGCCTTCCTGAA-3'
Protein context (NP_001839.2, residues 773-793): SCQGLAPSQG[Arg783Gln]PGLSLVKENY